The following is an entry in ClinVar:

NM_001103.4(ACTN2):c.1579C>T (p.Pro527Ser)

Gene: ACTN2 (actinin alpha 2; plus strand). Cytogenetic location: 1q43.
Variant type: single nucleotide variant.
Coding change: c.1579C>T on transcript NM_001103.4 (MANE Select); coding-DNA position 1579, C replaced by T.
Protein change: p.Pro527Ser; replaces proline 527 with serine.
Molecular consequence: missense variant.
Genome position (GRCh38, 1-based): chr1:236,749,187, C>T. VCF-style: chr1-236749187-C-T. GRCh37 (hg19) VCF-style: chr1-236912487-C-T.
Other names: c.1579C>T (NM_001103.3); c.1579C>T, p.Pro527Ser (NM_001278343.2); c.955C>T, p.Pro319Ser (NM_001278344.2); short protein forms P319S, P527S.
Identifiers: ClinVar variation 1318560 (VCV001318560.3), dbSNP rs745651013, ClinGen allele CA39737402.

ClinVar aggregate classification (germline): Uncertain significance. Review status: criteria provided, multiple submitters, no conflicts (2 of 4 stars). 2 submissions from 2 submitters: Uncertain significance (2). Last evaluated 2025-06-05.

Submissions (2):

Revvity Omics, Revvity
Classification: Uncertain significance. Last evaluated: 2025-06-05. Review status: criteria provided, single submitter. Criteria: ACMG Guidelines, 2015. Collection method: clinical testing. Allele origin: germline.

GeneDx
Classification: Uncertain significance. Last evaluated: 2021-04-09. Review status: criteria provided, single submitter. Criteria: GeneDx Variant Classification Process June 2021. Collection method: clinical testing. Allele origin: germline. Affected: yes.
Comment: Has not been previously published as pathogenic or benign to our knowledge; Not observed in large population cohorts (Lek et al., 2016); In silico analysis supports that this missense variant has a deleterious effect on protein structure/function